The following is an entry in ClinVar:

ClinVar aggregate classification (germline): Uncertain significance. Review status: criteria provided, multiple submitters, no conflicts (2 of 4 stars). 2 submissions from 2 submitters: Uncertain significance (2). Last evaluated 2025-02-10.

Submissions (2):

Labcorp Genetics (formerly Invitae), Labcorp
Classification: Uncertain significance. Last evaluated: 2025-02-10. Review status: criteria provided, single submitter. Criteria: Invitae Variant Classification Sherloc (09022015). Collection method: clinical testing. Allele origin: germline.
Comment: This sequence change replaces glycine, which is neutral and non-polar, with aspartic acid, which is acidic and polar, at codon 1938 of the USH2A protein (p.Gly1938Asp). This variant is not present in population databases (gnomAD no frequency). This missense change has been observed in individual(s) with deafness (PMID: 31152317). ClinVar contains an entry for this variant (Variation ID: 3340719). Invitae Evidence Modeling of protein sequence and biophysical properties (such as structural, functional, and spatial information, amino acid conservation, physicochemical variation, residue mobility, and thermodynamic stability) indicates that this missense variant is expected to disrupt USH2A protein function with a positive predictive value of 95%. In summary, the available evidence is currently insufficient to determine the role of this variant in disease. Therefore, it has been classified as a Variant of Uncertain Significance.

GeneDx
Classification: Uncertain significance. Last evaluated: 2024-02-20. Review status: criteria provided, single submitter. Criteria: GeneDx Variant Classification Process June 2021. Collection method: clinical testing. Allele origin: germline. Affected: yes.
Comment: Not observed at significant frequency in large population cohorts (gnomAD); In silico analysis supports that this missense variant has a deleterious effect on protein structure/function; This variant is associated with the following publications: (PMID: 31152317)

Literature cited by the submitters: PubMed 31152317 (cited by Labcorp Genetics (formerly Invitae), Labcorp).

NM_206933.4(USH2A):c.5813G>A (p.Gly1938Asp)

Genes: USH2A (usherin; minus strand), USH2A-AS2 (USH2A antisense RNA 2; plus strand). Cytogenetic location: 1q41.
Variant type: single nucleotide variant.
Coding change: c.5813G>A on transcript NM_206933.4 (MANE Select); coding-DNA position 5813, G replaced by A.
Protein change: p.Gly1938Asp; replaces glycine 1938 with aspartic acid.
Molecular consequence: missense variant.
Genome position (GRCh38, 1-based): chr1:216,072,933, C>T on the plus strand (G>A on the coding strand, the complement: USH2A is on the minus strand). VCF-style: chr1-216072933-C-T. GRCh37 (hg19) VCF-style: chr1-216246275-C-T.
Other names: short protein forms G1938D.
Identifiers: ClinVar variation 3340719 (VCV003340719.2).
Genomic context (GRCh38, chr1:216,072,933, plus strand): 5'-GAAGATAAGTATTTACCTGCTCCTGTTGTACGTCCTCGACTCCAATCACTATATACTGAA[C>T]CTCCTTCATGCGAGGCTATCACTCGATACAGGTATTCTTAAATGGAAATAAGATGCAGCA-3'
Protein context (NP_996816.3, residues 1928-1948): LYRVIASHEG[Gly1938Asp]SVYSDWSRGR